The following is an entry in ClinVar:

NM_003491.4(NAA10):c.586GAG[1] (p.Glu197del)

Gene: NAA10 (N-alpha-acetyltransferase 10, NatA catalytic subunit; minus strand). Cytogenetic location: Xq28.
Variant type: Microsatellite.
Coding change: c.586GAG[1] on transcript NM_003491.4 (MANE Select); one copy of the 3-base unit GAG starting at c.586; the reference has two copies in a row; one copy, 3 bases deleted; also written c.589_591del.
Protein change: p.Glu197del; deletes glutamic acid 197.
Molecular consequence: inframe deletion.
Genome position (GRCh38, 1-based): chrX:153,930,104-153,930,106, CTC deleted on the plus strand (GAG on the coding strand, the reverse complement: NAA10 is on the minus strand); deleting any 3 consecutive bases within chrX:153,930,104-153,930,109 gives the same sequence; the position shown is the placement nearest the transcript's 3' end. VCF-style (leftmost placement, unchanged base first): chrX-153930103-TCTC-T. GRCh37 (hg19) VCF-style: chrX-153195556-TCTC-T.
Other names: c.589_591delGAG (NM_003491.3); c.589_591del (NM_003491.4); c.541GAG[1], p.Glu182del (NM_001256119.2); c.568GAG[1], p.Glu191del (NM_001256120.2); short protein forms E191del, E197del, E182del.
Identifiers: ClinVar variation 1423171 (VCV001423171.12), dbSNP rs782519196, ClinGen allele CA10556088.

ClinVar aggregate classification (germline): Uncertain significance. Review status: criteria provided, multiple submitters, no conflicts (2 of 4 stars). 4 submissions from 4 submitters: Uncertain significance (4). Last evaluated 2025-02-27.

Conditions:
NAA10-related disorder. Also called: NAA10-related disorders; NAA10-related condition.
Ogden syndrome (OGDNS). Also called: N-TERMINAL ACETYLTRANSFERASE DEFICIENCY. Identifiers: Orphanet 276432, MedGen C3275447, MONDO:0010457, OMIM 300855.
Microphthalmia, syndromic 1 (MCOPS1). Also called: ANOP1. Identifiers: Orphanet 568, Orphanet 85275, MedGen C0796016, MONDO:0010671, OMIM 309800.

Submissions (4):

PreventionGenetics, part of Exact Sciences
Classification: Uncertain significance for NAA10-related condition. Last evaluated: 2025-02-27. Review status: criteria provided, single submitter. Criteria: ACMG Guidelines, 2015. Collection method: clinical testing. Allele origin: germline.
Comment: The NAA10 c.589_591delGAG variant is predicted to result in an in-frame deletion (p.Glu197del). To our knowledge, this variant has not been reported in the literature. This variant is reported in 0.0036% of alleles in individuals of Latino descent in gnomAD, including 10 hemizygotes in the larger gnomAD v4.1.0 database. Although we suspect that this variant may be benign, at this time, the clinical significance of this variant is uncertain due to the absence of conclusive functional and genetic evidence.

Labcorp Genetics (formerly Invitae), Labcorp
Classification: Uncertain significance. Last evaluated: 2024-06-10. Review status: criteria provided, single submitter. Criteria: Invitae Variant Classification Sherloc (09022015). Collection method: clinical testing. Allele origin: germline.
Comment: This variant, c.589_591del, results in the deletion of 1 amino acid(s) of the NAA10 protein (p.Glu197del), but otherwise preserves the integrity of the reading frame. This variant is present in population databases (rs782519196, gnomAD 0.004%). This variant has not been reported in the literature in individuals affected with NAA10-related conditions. ClinVar contains an entry for this variant (Variation ID: 1423171). Experimental studies and prediction algorithms are not available or were not evaluated, and the functional significance of this variant is currently unknown. In summary, the available evidence is currently insufficient to determine the role of this variant in disease. Therefore, it has been classified as a Variant of Uncertain Significance.

GeneDx
Classification: Uncertain significance. Last evaluated: 2023-01-19. Review status: criteria provided, single submitter. Criteria: GeneDx Variant Classification Process June 2021. Collection method: clinical testing. Allele origin: germline. Affected: yes.
Comment: In-frame deletion of 1 amino acid in a non-repeat region; In silico analysis supports a deleterious effect on protein structure/function; Has not been previously published as pathogenic or benign to our knowledge

Juno Genomics, Hangzhou Juno Genomics, Inc
Classification: Uncertain significance for Microphthalmia, syndromic 1; Ogden syndrome. Review status: criteria provided, single submitter. Criteria: ACMG Guidelines, 2015. Collection method: clinical testing. Allele origin: germline.
Comment: Absent from controls (or at extremely low frequency if recessive) in Genome Aggregation Database.;Protein length changes due to in-frame deletions/insertions in a non-repeat region or stop-loss variants.